The following is an entry in ClinVar:

ClinVar aggregate classification (germline): Likely benign. Review status: criteria provided, single submitter (1 of 4 stars). 2 submissions from 1 submitter: Likely benign (2). Last evaluated 2018-01-12.

Conditions:
Adult-onset proximal spinal muscular atrophy, autosomal dominant. Also called: FINKEL LATE-ADULT TYPE SMA; Spinal muscular atrophy, late-onset, finkel type. Identifiers: Orphanet 209335, MedGen C1854058, MONDO:0008453, OMIM 182980.
Amyotrophic lateral sclerosis type 8 (ALS8). Identifiers: Orphanet 803, MedGen C1837728, MONDO:0012077, OMIM 608627.

Allele frequency attached by ClinVar (database versions not stated): 1000 Genomes Project 30x 0.00094; 1000 Genomes Project 0.00100; ExAC 0.00102; gnomAD exomes 0.00186 and 0.00238; gnomAD 0.00233 and 0.00247; TOPMed 0.00236.
gnomAD v4.1: 1,070 of 456,148 alleles (0.23%); highest among the groups gnomAD compares: Non-Finnish European, 0.38%; 4 homozygotes.

Submissions (2):

Illumina Laboratory Services, Illumina
Classification: Likely benign for Adult-onset proximal spinal muscular atrophy, autosomal dominant. Last evaluated: 2018-01-12. Review status: criteria provided, single submitter. Criteria: ICSL Variant Classification Criteria 13 December 2019. Collection method: clinical testing. Allele origin: germline.
Comment: This variant was observed in the ICSL laboratory as part of a predisposition screen in an ostensibly healthy population. It had not been previously curated by ICSL or reported in the Human Gene Mutation Database (HGMD: prior to June 1st, 2018), and was therefore a candidate for classification through an automated scoring system. Utilizing variant allele frequency, disease prevalence and penetrance estimates, and inheritance mode, an automated score was calculated to assess if this variant is too frequent to cause the disease. Based on the score and internal cut-off values, a variant classified as likely benign is not then subjected to further curation. The score for this variant resulted in a classification of likely benign for this disease.

Illumina Laboratory Services, Illumina
Classification: Likely benign for Amyotrophic lateral sclerosis type 8. Last evaluated: 2018-01-12. Review status: criteria provided, single submitter. Criteria: ICSL Variant Classification Criteria 13 December 2019. Collection method: clinical testing. Allele origin: germline.
Comment: the same text as in the submission from Illumina Laboratory Services, Illumina above.

NM_004738.5(VAPB):c.*375C>G

Gene: VAPB (VAMP associated protein B and C; plus strand). Cytogenetic location: 20q13.32.
Variant type: single nucleotide variant.
Coding change: c.*375C>G on transcript NM_004738.5 (MANE Select); 375 bases downstream of the stop codon, C replaced by G.
Molecular consequence: 3 prime UTR variant. On other transcripts: non-coding transcript variant (1).
Genome position (GRCh38, 1-based): chr20:58,444,610, C>G. VCF-style: chr20-58444610-C-G. GRCh37 (hg19) VCF-style: chr20-57019666-C-G.
Other names: c.*445C>G (NM_001195677.2).
Identifiers: ClinVar variation 338937 (VCV000338937.6), dbSNP rs540854828, ClinGen allele CA9924386.
Genomic context (GRCh38, chr20:58,444,610, plus strand): 5'-GTACATGATGCTGGATTACCTCTCTTAAAATGACACCCTTCCTCGCCTGTTGGTGCTGGC[C>G]CTTGGGGAGCTGGAGCCCAGCATGCTGGGGAGTGCGGTCAGCTCCACACAGTAGTCCCCA-3'